The following is an entry in ClinVar:

ClinVar aggregate classification (germline): Benign. Review status: criteria provided, multiple submitters, no conflicts (2 of 4 stars). 2 submissions from 2 submitters: Benign (2). Last evaluated 2018-06-18.

Allele frequency attached by ClinVar (database versions not stated): TOPMed 0.26755; gnomAD 0.33333; 1000 Genomes Project 0.29014.

Submissions (2):

GeneDx
Classification: Benign. Last evaluated: 2018-06-18. Review status: criteria provided, single submitter. Criteria: GeneDx Variant Classification (06012015). Collection method: clinical testing. Allele origin: germline. Affected: yes.
Comment: This variant is considered likely benign or benign based on one or more of the following criteria: it is a conservative change, it occurs at a poorly conserved position in the protein, it is predicted to be benign by multiple in silico algorithms, and/or has population frequency not consistent with disease.

Breakthrough Genomics
Classification: Benign. Review status: criteria provided, single submitter. Criteria: ACMG Guidelines, 2015. Collection method: not provided. Allele origin: germline. Inheritance: Autosomal recessive inheritance. Affected: yes.

NM_000071.3(CBS):c.829-265G>A

Gene: CBS (cystathionine beta-synthase; minus strand). Cytogenetic location: 21q22.3.
Variant type: single nucleotide variant.
Coding change: c.829-265G>A on transcript NM_000071.3 (MANE Select); 265 bases into the intron before coding-DNA position 829, G replaced by A.
Molecular consequence: intron variant.
Genome position (GRCh38, 1-based): chr21:43,063,343, C>T on the plus strand (G>A on the coding strand, the complement: CBS is on the minus strand). VCF-style: chr21-43063343-C-T. GRCh37 (hg19) VCF-style: chr21-44483453-C-T.
Other names: c.829-265G>A (NM_001320298.2, NM_001178009.3, NM_001178008.3); c.514-265G>A (NM_001321072.1).
Identifiers: ClinVar variation 668709 (VCV000668709.2), dbSNP rs2849727, ClinGen allele CA321093287.
Genomic context (GRCh38, chr21:43,063,343, plus strand): 5'-AAATGTTCAGTGCAGGGCGCTCAGAAGTAAAGGCAGGTGCCTGGGAGGAACTGACCTCCC[C>T]GGGGTGCTTCTCGGAGCGGGGCCCCCAGGACAGTCCAGACAGACCACCCTGCGGCGGAGC-3'